The following is an entry in ClinVar:

ClinVar aggregate classification (germline): Uncertain significance. Review status: criteria provided, multiple submitters, no conflicts (2 of 4 stars). 2 submissions from 2 submitters: Uncertain significance (2). Last evaluated 2026-02-01.

Conditions:
Inborn genetic diseases. Identifiers: MedGen C0950123, MeSH D030342.

Allele frequency attached by ClinVar (database versions not stated): gnomAD exomes below 0.00001; TOPMed below 0.00001; gnomAD 0.00001.
gnomAD v4.1: 5 of 1,613,822 alleles (0.00031%); highest among the groups gnomAD compares: Non-Finnish European, 0.00034%; no homozygotes.

Submissions (2):

Labcorp Genetics (formerly Invitae), Labcorp
Classification: Uncertain significance. Last evaluated: 2026-02-01. Review status: criteria provided, single submitter. Criteria: Invitae Variant Classification Sherloc (09022015). Collection method: clinical testing. Allele origin: germline.
Comment: This sequence change replaces alanine, which is neutral and non-polar, with serine, which is neutral and polar, at codon 487 of the CACNA1E protein (p.Ala487Ser). This variant is present in population databases (no rsID available, gnomAD 0.007%). This variant has not been reported in the literature in individuals affected with CACNA1E-related conditions. ClinVar contains an entry for this variant (Variation ID: 1481968). Invitae Evidence Modeling of protein sequence and biophysical properties (such as structural, functional, and spatial information, amino acid conservation, physicochemical variation, residue mobility, and thermodynamic stability) has been performed for this missense variant. However, the output from this modeling did not meet the statistical confidence thresholds required to predict the impact of this variant on CACNA1E protein function. In summary, the available evidence is currently insufficient to determine the role of this variant in disease. Therefore, it has been classified as a Variant of Uncertain Significance.

Ambry Genetics
Classification: Uncertain significance for Inborn genetic diseases. Last evaluated: 2025-08-31. Review status: criteria provided, single submitter. Criteria: Ambry Variant Classification Scheme 2023. Collection method: clinical testing. Allele origin: germline.

NM_001205293.3(CACNA1E):c.1459G>T (p.Ala487Ser)

Gene: CACNA1E (calcium voltage-gated channel subunit alpha1 E; plus strand). Cytogenetic location: 1q25.3.
Variant type: single nucleotide variant.
Coding change: c.1459G>T on transcript NM_001205293.3 (MANE Select); coding-DNA position 1459, G replaced by T.
Protein change: p.Ala487Ser; replaces alanine 487 with serine.
Molecular consequence: missense variant.
Genome position (GRCh38, 1-based): chr1:181,717,236, G>T. VCF-style: chr1-181717236-G-T. GRCh37 (hg19) VCF-style: chr1-181686372-G-T.
Other names: c.1459G>T (NM_001205293.1); c.1459G>T, p.Ala487Ser (NM_000721.4, NM_001205294.2); short protein forms A487S.
Identifiers: ClinVar variation 1481968 (VCV001481968.9), dbSNP rs1271256287, ClinGen allele CA343625298.